The following is an entry in ClinVar:

ClinVar aggregate classification (germline): Uncertain significance. Review status: reviewed by expert panel (3 of 4 stars). 9 submissions from 9 submitters: Uncertain significance (1). 8 of the submissions do not count toward it. Last evaluated 2025-08-01.

Conditions:
RYR1-related disorder. Also called: RYR1-related disorders; RYR1-related condition. Identifiers: MedGen CN239331.
Central core myopathy (CMYO1A). Also called: CONGENITAL MYOPATHY 1A, AUTOSOMAL DOMINANT, WITH SUSCEPTIBILITY TO MALIGNANT HYPERTHERMIA; Central core disease; Myopathy, central fibrillar. Identifiers: Orphanet 597, MedGen C5830701, MONDO:0007294, OMIM 117000.
Malignant hyperthermia, susceptibility to, 1 (MHS1). Also called: Anesthesia related hyperthermia; Malignant hyperpyrexia; Fulminating hyperpyrexia; Pharmacogenic myopathy; Malignant hyperthermia suceptibility 1; RYR1-Related Malignant Hyperthermia Susceptibility. Identifiers: Orphanet 423, MedGen C2930980, MONDO:0007783, OMIM 145600.
King Denborough syndrome (KDS). Identifiers: MedGen C1840365, MONDO:0020485, OMIM 619542.
Congenital multicore myopathy with external ophthalmoplegia (CMYO1B). Also called: Minicore myopathy with external ophthalmoplegia; MULTIMINICORE DISEASE WITH EXTERNAL OPHTHALMOPLEGIA; MULTICORE MYOPATHY; Congenital myopathy 1B, autosomal recessive; Minicore myopathy. Identifiers: Orphanet 598, Orphanet 98905, MedGen C1850674, MONDO:0009712, OMIM 255320, HP:0003789.

Allele frequency attached by ClinVar (database versions not stated): gnomAD exomes 0.00004 and 0.00008; ExAC 0.00005; gnomAD 0.00007 and 0.00008; TOPMed 0.00009; ESP Exome Variant Server 0.00015; 1000 Genomes Project 30x 0.00016; 1000 Genomes Project 0.00020.
gnomAD v4.1: 69 of 1,613,664 alleles (0.0043%); highest among the groups gnomAD compares: East Asian, 0.031%; no homozygotes.

Submissions (9):

ClinGen Malignant Hyperthermia Susceptibility Variant Curation Expert Panel, ClinGen
Classification: Uncertain significance for Malignant hyperthermia, susceptibility to, 1. Last evaluated: 2025-08-01. Review status: reviewed by expert panel. Criteria: ClinGen MHS ACMG Specifications V2. Collection method: curation. Allele origin: germline. Inheritance: Autosomal dominant inheritance.
Comment: This pathogenicity assessment is relevant only for malignant hyperthermia susceptibility (MHS) inherited in an autosomal dominant pattern. Variants in RYR1 can also cause other myopathies inherited in an autosomal dominant pattern or in an autosomal recessive pattern. Some of these disorders may predispose individuals to malignant hyperthermia. RYR1 variants may also contribute to a malignant hyperthermia reaction in combination with other genetic and non-genetic factors and the clinician needs to consider such factors in making management decisions. This sequence variant predicts a substitution of valine with isoleucine at codon 3840 of the RYR1 protein, p.(Val3840Ile). The maximum allele frequency for this variant among the six major gnomAD populations is EAS: 0.00040, a frequency consistent with pathogenicity for MHS. This variant has been reported in an individual with a personal or family history of an MH episode without an in vitro contracture test (IVCT) or caffeine halothane contracture test (CHCT) result (PMID:16732084). No functional studies were identified for this variant. This variant does not reside in a hotspot for pathogenic variants that contribute to MHS. A REVEL score of 0.648 supports neither a pathogenic nor a benign status for this variant. This variant has been classified as a Variant of Unknown Significance. No criteria implemented.

Labcorp Genetics (formerly Invitae), Labcorp
Classification: Uncertain significance for RYR1-related disorder. Last evaluated: 2025-10-26. Review status: criteria provided, single submitter. Criteria: Invitae Variant Classification Sherloc (09022015). Collection method: clinical testing. Allele origin: germline. Not counted in ClinVar's aggregate classification.
Comment: This sequence change replaces valine, which is neutral and non-polar, with isoleucine, which is neutral and non-polar, at codon 3840 of the RYR1 protein (p.Val3840Ile). This variant is present in population databases (rs140616359, gnomAD 0.03%). This missense change has been observed in individual(s) with a family history of malignant hyperthermia and malignant hyperthermia (PMID: 16732084, 16917943). ClinVar contains an entry for this variant (Variation ID: 133013). An algorithm developed to predict the effect of missense changes on protein structure and function (PolyPhen-2) suggests that this variant is likely to be tolerated. In summary, the available evidence is currently insufficient to determine the role of this variant in disease. Therefore, it has been classified as a Variant of Uncertain Significance.

GeneDx
Classification: Uncertain significance. Last evaluated: 2024-08-22. Review status: criteria provided, single submitter. Criteria: GeneDx Variant Classification Process June 2021. Collection method: clinical testing. Allele origin: germline. Affected: yes. Not counted in ClinVar's aggregate classification.
Comment: In silico analysis indicates that this missense variant does not alter protein structure/function; Reported previously in the heterozygous state in an individual with malignant hyperthermia; however parental studies were not performed (PMID: 16732084); This variant is associated with the following publications: (PMID: 25637381, 16917943, 34535181, 35538921, 16732084)

Color Diagnostics, LLC DBA Color Health
Classification: Uncertain significance for Malignant hyperthermia, susceptibility to, 1. Last evaluated: 2023-11-09. Review status: criteria provided, single submitter. Criteria: ACMG Guidelines, 2015. Collection method: clinical testing. Allele origin: germline. Not counted in ClinVar's aggregate classification.
Comment: This missense variant replaces valine with isoleucine at codon 3840 of the RYR1 protein. Computational prediction tool indicates that this variant may have an uncertain impact on protein structure and function. To our knowledge, functional studies have not been reported for this variant. This variant has been reported in an individual with a family history of malignant hyperthermia who did not have an in vitro contracture test (IVCT) completed (PMID: 16732084). This variant has been identified in 23/281694 chromosomes in the general population by the Genome Aggregation Database (gnomAD). The available evidence is insufficient to determine the role of this variant in disease conclusively. Therefore, this variant is classified as a Variant of Uncertain Significance.

Mendelics
Classification: Uncertain significance for Malignant hyperthermia, susceptibility to, 1. Last evaluated: 2023-06-02. Review status: criteria provided, single submitter. Criteria: Mendelics Assertion Criteria 2017. Collection method: clinical testing. Allele origin: unknown. Not counted in ClinVar's aggregate classification.

Blueprint Genetics
Classification: Uncertain significance. Last evaluated: 2022-10-22. Review status: criteria provided, single submitter. Criteria: ACMG Guidelines, 2015. Collection method: clinical testing. Allele origin: germline. Not counted in ClinVar's aggregate classification.

Juno Genomics, Hangzhou Juno Genomics, Inc
Classification: Uncertain significance for Central core myopathy; Congenital multicore myopathy with external ophthalmoplegia; Malignant hyperthermia, susceptibility to, 1; King Denborough syndrome. Review status: criteria provided, single submitter. Criteria: ACMG Guidelines, 2015. Collection method: clinical testing. Allele origin: germline. Affected: yes. Not counted in ClinVar's aggregate classification.
Comment: Absent from controls (or at extremely low frequency if recessive) in Genome Aggregation Database, Exome Sequencing Project, 1000 Genomes Project, or Exome Aggregation Consortium.;Multiple lines of computational evidence support a deleterious effect on the gene or gene product (conservation, evolutionary, splicing impact, etc).;Missense variant in a gene that has a low rate of benign missense variation and where missense variants are a common mechanism of disease.

CSER _CC_NCGL, University of Washington
Classification: Likely benign for Malignant hyperthermia. Last evaluated: 2014-06-01. Review status: no assertion criteria provided. Collection method: research. Allele origin: germline. Inheritance: Autosomal dominant inheritance. Study: ESP 6500 variant annotation. Not counted in ClinVar's aggregate classification.
Comment: Variants classified for the Actionable exomic incidental findings in 6503 participants: challenges of variant classification manuscript

RYR1 database
No classification provided. Review status: no classification provided. Collection method: not provided. Allele origin: unknown. Not counted in ClinVar's aggregate classification.

Literature cited by the submitters: PubMed 16732084 (cited by Labcorp Genetics (formerly Invitae), Labcorp and Color Diagnostics, LLC DBA Color Health); PubMed 16917943 (cited by Labcorp Genetics (formerly Invitae), Labcorp).

NM_000540.3(RYR1):c.11518G>A (p.Val3840Ile)

Gene: RYR1 (ryanodine receptor 1; plus strand). Cytogenetic location: 19q13.2.
Variant type: single nucleotide variant.
Coding change: c.11518G>A on transcript NM_000540.3 (MANE Select); coding-DNA position 11518, G replaced by A.
Protein change: p.Val3840Ile; replaces valine 3840 with isoleucine.
Molecular consequence: missense variant.
Genome position (GRCh38, 1-based): chr19:38,535,998, G>A. VCF-style: chr19-38535998-G-A. GRCh37 (hg19) VCF-style: chr19-39026638-G-A.
Other names: c.11503G>A, p.Val3835Ile (NM_001042723.2); c.11518G>A (NM_000540.2); short protein forms V3840I, V3835I.
Identifiers: ClinVar variation 133013 (VCV000133013.18), dbSNP rs140616359, ClinGen allele CA023914.